The following is an entry in ClinVar:

ClinVar aggregate classification (germline): Conflicting classifications of pathogenicity. Review status: criteria provided, conflicting classifications (1 of 4 stars). 4 submissions from 4 submitters: Uncertain significance (3); Likely benign (1). Last evaluated 2026-02-03.

Conditions:
Lynch syndrome. Identifiers: Orphanet 144, MedGen C4552100, MONDO:0005835. Disease mechanism: loss of function.
Hereditary nonpolyposis colorectal neoplasms. Identifiers: MedGen C0009405, MeSH D003123.
Hereditary cancer-predisposing syndrome. Also called: Hereditary neoplastic syndrome; Tumor predisposition; Hereditary Cancer Syndrome; Neoplastic Syndromes, Hereditary. Identifiers: Orphanet 140162, MedGen C0027672, MeSH D009386, MONDO:0015356.

Allele frequency attached by ClinVar (database versions not stated): TOPMed below 0.00001; gnomAD 0.00001; gnomAD exomes 0.00001.
gnomAD v4.1: 6 of 1,614,030 alleles (0.00037%); highest among the groups gnomAD compares: Non-Finnish European, 0.00051%; no homozygotes.

Submissions (4):

Labcorp Genetics (formerly Invitae), Labcorp
Classification: Likely benign for Hereditary nonpolyposis colorectal neoplasms. Last evaluated: 2026-02-03. Review status: criteria provided, single submitter. Criteria: Invitae Variant Classification Sherloc (09022015). Collection method: clinical testing. Allele origin: germline.

Ambry Genetics
Classification: Uncertain significance for Hereditary cancer-predisposing syndrome. Last evaluated: 2025-06-21. Review status: criteria provided, single submitter. Criteria: Ambry Variant Classification Scheme 2023. Collection method: clinical testing. Allele origin: germline.
Comment: The p.D1107E variant (also known as c.3321T>G), located in coding exon 5 of the MSH6 gene, results from a T to G substitution at nucleotide position 3321. The aspartic acid at codon 1107 is replaced by glutamic acid, an amino acid with highly similar properties. This amino acid position is well conserved in available vertebrate species. In addition, the in silico prediction for this alteration is inconclusive. Since supporting evidence is limited at this time, the clinical significance of this alteration remains unclear.

All of Us Research Program, National Institutes of Health
Classification: Uncertain significance for Lynch syndrome. Last evaluated: 2023-12-01. Review status: criteria provided, single submitter. Criteria: ACMG Guidelines, 2015. Collection method: clinical testing. Allele origin: germline. Inheritance: Autosomal dominant inheritance. Observed: 1 variant allele, 1 heterozygote.
Comment: This missense variant replaces aspartic acid with glutamic acid at codon 1107 of the MSH6 protein. Computational prediction is inconclusive regarding the impact of this variant on protein structure and function (internally defined REVEL score threshold 0.5 < inconclusive < 0.7, PMID: 27666373). To our knowledge, functional studies have not been reported for this variant. This variant has not been reported in individuals affected with hereditary cancer in the literature. This variant has been identified in 2/251396 chromosomes in the general population by the Genome Aggregation Database (gnomAD). The available evidence is insufficient to determine the role of this variant in disease conclusively. Therefore, this variant is classified as a Variant of Uncertain Significance.

This study involves interpretation of variants in research participants for the purpose of population health screening. Participant phenotype was not available at the time of variant classification. Additional details can be found in publication PMID: 35346344, PMCID: PMC8962531

Color Diagnostics, LLC DBA Color Health
Classification: Uncertain significance for Hereditary cancer-predisposing syndrome. Last evaluated: 2020-11-16. Review status: criteria provided, single submitter. Criteria: ACMG Guidelines, 2015. Collection method: clinical testing. Allele origin: germline.
Comment: This missense variant replaces aspartic acid with glutamic acid at codon 1107 of the MSH6 protein. Computational prediction is inconclusive regarding the impact of this variant on protein structure and function (internally defined REVEL score threshold 0.5 < inconclusive < 0.7, PMID: 27666373). To our knowledge, functional studies have not been reported for this variant. This variant has not been reported in individuals affected with hereditary cancer in the literature. This variant has been identified in 2/251396 chromosomes in the general population by the Genome Aggregation Database (gnomAD). The available evidence is insufficient to determine the role of this variant in disease conclusively. Therefore, this variant is classified as a Variant of Uncertain Significance.

NM_000179.3(MSH6):c.3321T>G (p.Asp1107Glu)

Gene: MSH6 (mutS homolog 6; plus strand). Cytogenetic location: 2p16.3.
Variant type: single nucleotide variant.
Coding change: c.3321T>G on transcript NM_000179.3 (MANE Select); coding-DNA position 3321, T replaced by G.
Protein change: p.Asp1107Glu; replaces aspartic acid 1107 with glutamic acid.
Molecular consequence: missense variant.
Genome position (GRCh38, 1-based): chr2:47,803,568, T>G. VCF-style: chr2-47803568-T-G. GRCh37 (hg19) VCF-style: chr2-48030707-T-G.
Other names: c.2931T>G, p.Asp977Glu (NM_001281492.2); c.2415T>G, p.Asp805Glu (NM_001281493.2, NM_001281494.2); short protein forms D1107E, D805E, D977E.
Identifiers: ClinVar variation 491937 (VCV000491937.21), dbSNP rs1258021186, ClinGen allele CA346758673.